The following is an entry in ClinVar:

ClinVar aggregate classification (germline): Uncertain significance (1 of 4 stars; one submission).

gnomAD v4.1: 4 of 1,603,068 alleles (0.00025%); highest among the groups gnomAD compares: Non-Finnish European, 0.00034%; no homozygotes.

Submission:

GeneDx
Classification: Uncertain significance. Last evaluated: 2024-03-26. Review status: criteria provided, single submitter. Criteria: GeneDx Variant Classification Process June 2021. Collection method: clinical testing. Allele origin: germline. Affected: yes.
Comment: Not observed at significant frequency in large population cohorts (gnomAD); In silico analysis supports that this missense variant does not alter protein structure/function; Has not been previously published as pathogenic or benign to our knowledge

NM_021098.3(CACNA1H):c.3106G>T (p.Val1036Phe)

Gene: CACNA1H (calcium voltage-gated channel subunit alpha1 H; plus strand). Cytogenetic location: 16p13.3.
Variant type: single nucleotide variant.
Coding change: c.3106G>T on transcript NM_021098.3 (MANE Select); coding-DNA position 3106, G replaced by T.
Protein change: p.Val1036Phe; replaces valine 1036 with phenylalanine.
Molecular consequence: missense variant.
Genome position (GRCh38, 1-based): chr16:1,207,812, G>T. VCF-style: chr16-1207812-G-T. GRCh37 (hg19) VCF-style: chr16-1257812-G-T.
Other names: c.3106G>T, p.Val1036Phe (NM_001005407.2); short protein forms V1036F.
Identifiers: ClinVar variation 3370744 (VCV003370744.1).